The following is an entry in ClinVar:

NM_153614.4(DNAJB13):c.643G>A (p.Val215Ile)

Gene: DNAJB13 (DnaJ heat shock protein family (Hsp40) member B13; plus strand). Cytogenetic location: 11q13.4.
Variant type: single nucleotide variant.
Coding change: c.643G>A on transcript NM_153614.4 (MANE Select); coding-DNA position 643, G replaced by A.
Protein change: p.Val215Ile; replaces valine 215 with isoleucine.
Molecular consequence: missense variant.
Genome position (GRCh38, 1-based): chr11:73,968,381, G>A. VCF-style: chr11-73968381-G-A. GRCh37 (hg19) VCF-style: chr11-73679426-G-A.
Other names: c.469G>A, p.Val157Ile (NM_001377263.1); short protein forms V157I, V215I.
Identifiers: ClinVar variation 2065566 (VCV002065566.2), dbSNP rs142619992, ClinGen allele CA6180846.
Genomic context (GRCh38, chr11:73,968,381, plus strand): 5'-CACCTTTTGGCGTCCCCTGCCCAGGGCCCCAACATCATCCCAGCAGACATCATTTTCATC[G>A]TAAAGGAGAAGCTACACCCTCGCTTCCGCAGGGAGAATGACAACCTCTTCTTCGTGAACC-3'
Protein context (NP_705842.2, residues 205-225): NIIPADIIFI[Val215Ile]KEKLHPRFRR

ClinVar aggregate classification (germline): Uncertain significance (1 of 4 stars; one submission).

Allele frequency attached by ClinVar (database versions not stated): ExAC 0.00003; gnomAD 0.00003; TOPMed 0.00005; ESP Exome Variant Server 0.00008.
gnomAD v4.1: 43 of 1,613,992 alleles (0.0027%); highest among the groups gnomAD compares: Middle Eastern, 0.016%; no homozygotes.

Submission:

Labcorp Genetics (formerly Invitae), Labcorp
Classification: Uncertain significance. Last evaluated: 2022-05-10. Review status: criteria provided, single submitter. Criteria: Invitae Variant Classification Sherloc (09022015). Collection method: clinical testing. Allele origin: germline.
Comment: This variant is present in population databases (rs142619992, gnomAD 0.007%). This variant has not been reported in the literature in individuals affected with DNAJB13-related conditions. Algorithms developed to predict the effect of missense changes on protein structure and function (SIFT, PolyPhen-2, Align-GVGD) all suggest that this variant is likely to be tolerated. In summary, the available evidence is currently insufficient to determine the role of this variant in disease. Therefore, it has been classified as a Variant of Uncertain Significance. This sequence change replaces valine, which is neutral and non-polar, with isoleucine, which is neutral and non-polar, at codon 215 of the DNAJB13 protein (p.Val215Ile).